The following is an entry in ClinVar:

NM_014252.4(SLC25A15):c.95C>T (p.Thr32Ile)

Gene: SLC25A15 (solute carrier family 25 member 15; plus strand). Cytogenetic location: 13q14.11.
Variant type: single nucleotide variant.
Coding change: c.95C>T on transcript NM_014252.4 (MANE Select); coding-DNA position 95, C replaced by T.
Protein change: p.Thr32Ile; replaces threonine 32 with isoleucine.
Molecular consequence: missense variant. On other transcripts: non-coding transcript variant (2).
Genome position (GRCh38, 1-based): chr13:40,799,096, C>T. VCF-style: chr13-40799096-C-T. GRCh37 (hg19) VCF-style: chr13-41373232-C-T.
Other names: short protein forms T32I.
Identifiers: ClinVar variation 2058972 (VCV002058972.2), dbSNP rs121908536, ClinGen allele CA6959624.

ClinVar aggregate classification (germline): Uncertain significance (1 of 4 stars; one submission).

Conditions:
Hyperornithinemia-hyperammonemia-homocitrullinuria syndrome (HHHS). Also called: Ornithine translocase deficiency; HHH SYNDROME. Identifiers: Orphanet 415, MedGen C0268540, MONDO:0009393, OMIM 238970.

Allele frequency attached by ClinVar (database versions not stated): gnomAD exomes below 0.00001; ExAC 0.00001.

Submission:

Labcorp Genetics (formerly Invitae), Labcorp
Classification: Uncertain significance for Hyperornithinemia-hyperammonemia-homocitrullinuria syndrome. Last evaluated: 2025-10-23. Review status: criteria provided, single submitter. Criteria: Invitae Variant Classification Sherloc (09022015). Collection method: clinical testing. Allele origin: germline.
Comment: This sequence change replaces threonine, which is neutral and polar, with isoleucine, which is neutral and non-polar, at codon 32 of the SLC25A15 protein (p.Thr32Ile). This variant is present in population databases (no rsID available, gnomAD 0.003%). This variant has not been reported in the literature in individuals affected with SLC25A15-related conditions. ClinVar contains an entry for this variant (Variation ID: 2058972). Invitae Evidence Modeling of protein sequence and biophysical properties (such as structural, functional, and spatial information, amino acid conservation, physicochemical variation, residue mobility, and thermodynamic stability) has been performed for this missense variant. However, the output from this modeling did not meet the statistical confidence thresholds required to predict the impact of this variant on SLC25A15 protein function. This variant disrupts the p.Thr32 amino acid residue in SLC25A15. Other variant(s) that disrupt this residue have been determined to be pathogenic (PMID: 16940241). This suggests that this residue is clinically significant, and that variants that disrupt this residue are likely to be disease-causing. In summary, the available evidence is currently insufficient to determine the role of this variant in disease. Therefore, it has been classified as a Variant of Uncertain Significance.

Literature cited by the submitters: PubMed 16940241.